The following is an entry in ClinVar:

NM_014363.6(SACS):c.12148T>C (p.Phe4050Leu)

Gene: SACS (sacsin molecular chaperone; minus strand). Cytogenetic location: 13q12.12.
Variant type: single nucleotide variant.
Coding change: c.12148T>C on transcript NM_014363.6 (MANE Select); coding-DNA position 12148, T replaced by C.
Protein change: p.Phe4050Leu; replaces phenylalanine 4050 with leucine.
Molecular consequence: missense variant.
Genome position (GRCh38, 1-based): chr13:23,331,728, A>G on the plus strand (T>C on the coding strand, the complement: SACS is on the minus strand). VCF-style: chr13-23331728-A-G. GRCh37 (hg19) VCF-style: chr13-23905867-A-G.
Other names: p.Phe4050Leu; c.11707T>C, p.Phe3903Leu (NM_001278055.2); short protein forms F4050L, F3903L.
Identifiers: ClinVar variation 586421 (VCV000586421.17), dbSNP rs147013767, ClinGen allele CA6910176.

ClinVar aggregate classification (germline): Conflicting classifications of pathogenicity. Review status: criteria provided, conflicting classifications (1 of 4 stars). 5 submissions from 5 submitters: Uncertain significance (1); Likely benign (2). 2 of the submissions do not count toward it. Last evaluated 2025-11-23.

Conditions:
Charlevoix-Saguenay spastic ataxia (SACS). Also called: AUTOSOMAL RECESSIVE SPASTIC ATAXIA OF CHARLEVOIX-SAGUENAY; SPASTIC ATAXIA 6, AUTOSOMAL RECESSIVE; Spastic ataxia of Charlevoix-Saguenay. Identifiers: Orphanet 98, MedGen C1849140, MONDO:0010041, OMIM 270550.
SACS-related disorder. Also called: SACS-related condition.
Spastic paraplegia. Identifiers: MedGen C0037772, HP:0001258.

Allele frequency attached by ClinVar (database versions not stated): gnomAD exomes 0.00006 and 0.00012; ExAC 0.00009; gnomAD 0.00054 and 0.00060; ESP Exome Variant Server 0.00062; TOPMed 0.00066.
gnomAD v4.1: 162 of 1,614,026 alleles (0.01%); highest among the groups gnomAD compares: African/African-American, 0.2%; 1 homozygote.

Submissions (5):

Labcorp Genetics (formerly Invitae), Labcorp
Classification: Likely benign for Spastic paraplegia. Last evaluated: 2025-11-23. Review status: criteria provided, single submitter. Criteria: Invitae Variant Classification Sherloc (09022015). Collection method: clinical testing. Allele origin: germline.

Athena Diagnostics
Classification: Likely benign. Last evaluated: 2024-02-02. Review status: criteria provided, single submitter. Criteria: Athena Diagnostics Criteria. Collection method: clinical testing. Allele origin: unknown.

Mayo Clinic Laboratories, Mayo Clinic
Classification: Uncertain significance. Last evaluated: 2023-02-13. Review status: criteria provided, single submitter. Criteria: ACMG Guidelines, 2015. Collection method: clinical testing. Allele origin: germline. Observed: 1 variant allele.

PreventionGenetics, part of Exact Sciences
Classification: Likely benign for SACS-related condition. Last evaluated: 2024-08-11. Review status: no assertion criteria provided. Collection method: clinical testing. Allele origin: germline. Not counted in ClinVar's aggregate classification.
Comment: This variant is classified as likely benign based on ACMG/AMP sequence variant interpretation guidelines (Richards et al. 2015 PMID: 25741868, with internal and published modifications).

Natera, Inc.
Classification: Uncertain significance for Charlevoix-Saguenay type spastic ataxia. Last evaluated: 2020-09-16. Review status: no assertion criteria provided. Collection method: clinical testing. Allele origin: germline. Not counted in ClinVar's aggregate classification.

Literature cited by the submitters: PubMed 23280630 (cited by Athena Diagnostics and Mayo Clinic Laboratories, Mayo Clinic).